The following is an entry in ClinVar:

ClinVar aggregate classification (germline): Uncertain significance (1 of 4 stars; one submission).

Submission:

GeneDx
Classification: Uncertain significance. Last evaluated: 2026-01-22. Review status: criteria provided, single submitter. Criteria: GeneDx Variant Classification Process June 2021. Collection method: clinical testing. Allele origin: germline.
Comment: Not observed at significant frequency in large population cohorts (gnomAD); In-frame deletion of 1 amino acid in a non-repeat region; In silico analysis supports a deleterious effect on protein structure/function; Has not been previously published as pathogenic or benign to our knowledge

NM_001379029.1(CERT1):c.645CTT[1] (p.Phe216del)

Gene: CERT1 (ceramide transporter 1; minus strand). Cytogenetic location: 5q13.3.
Variant type: Microsatellite.
Coding change: c.645CTT[1] on transcript NM_001379029.1 (MANE Select); one copy of the 3-base unit CTT starting at c.645; the reference has two copies in a row; one copy, 3 bases deleted.
Protein change: p.Phe216del; deletes phenylalanine 216.
Molecular consequence: inframe deletion.
Genome position (GRCh38, 1-based): chr5:75,419,370-75,419,372, AAG deleted on the plus strand (CTT on the coding strand, the reverse complement: CERT1 is on the minus strand); deleting any 3 consecutive bases within chr5:75,419,370-75,419,375 gives the same sequence; the position shown is the placement nearest the transcript's 3' end. VCF-style (leftmost placement, unchanged base first): chr5-75419369-CAAG-C. GRCh37 (hg19) VCF-style: chr5-74715194-CAAG-C.
Other names: c.1029CTT[1], p.Phe344del (NM_001130105.1); c.645CTT[1], p.Phe216del (NM_001379002.1, NM_001379003.1, NM_001379004.1 and 2 more transcripts); c.1032_1034del (NM_001130105.1); short protein forms F216del, F344del.
Identifiers: ClinVar variation 4975556 (VCV004975556.1).